The following is an entry in ClinVar:

NM_024675.4(PALB2):c.2454T>A (p.Phe818Leu)

Gene: PALB2 (partner and localizer of BRCA2; minus strand). Cytogenetic location: 16p12.2.
Variant type: single nucleotide variant.
Coding change: c.2454T>A on transcript NM_024675.4 (MANE Select); coding-DNA position 2454, T replaced by A.
Protein change: p.Phe818Leu; replaces phenylalanine 818 with leucine.
Molecular consequence: missense variant. On other transcripts: intron variant (1).
Genome position (GRCh38, 1-based): chr16:23,629,700, A>T on the plus strand (T>A on the coding strand, the complement: PALB2 is on the minus strand). VCF-style: chr16-23629700-A-T. GRCh37 (hg19) VCF-style: chr16-23641021-A-T.
Other names: c.2394T>A, p.Phe798Leu (NM_001407296.1); c.2454T>A, p.Phe818Leu (NM_001407297.1, NM_001407298.1, NM_001407299.1 and 3 more transcripts); c.1569T>A, p.Phe523Leu (NM_001407304.1, NM_001407305.1, NM_001407306.1 and 5 more transcripts); c.666T>A, p.Phe222Leu (NM_001407312.1, NM_001407313.1); c.49-425T>A (NM_001407314.1); short protein forms F523L, F798L, F818L, F222L.
Identifiers: ClinVar variation 3885191 (VCV003885191.1).

ClinVar aggregate classification (germline): Uncertain significance (1 of 4 stars; one submission).

Conditions:
Hereditary cancer-predisposing syndrome. Also called: Tumor predisposition; Neoplastic Syndromes, Hereditary; Hereditary Cancer Syndrome; Hereditary neoplastic syndrome. Identifiers: Orphanet 140162, MedGen C0027672, MeSH D009386, MONDO:0015356.

Submission:

Ambry Genetics
Classification: Uncertain significance for Hereditary cancer-predisposing syndrome. Last evaluated: 2024-12-20. Review status: criteria provided, single submitter. Criteria: Ambry Variant Classification Scheme 2023. Collection method: clinical testing. Allele origin: germline.
Comment: The p.F818L variant (also known as c.2454T>A), located in coding exon 5 of the PALB2 gene, results from a T to A substitution at nucleotide position 2454. The phenylalanine at codon 818 is replaced by leucine, an amino acid with highly similar properties. This amino acid position is conserved. In addition, this alteration is predicted to be tolerated by in silico analysis. Based on the available evidence, the clinical significance of this variant remains unclear.